The following is an entry in ClinVar:

ClinVar aggregate classification (germline): Likely pathogenic (1 of 4 stars; one submission).

Conditions:
KBG syndrome (KBGS). Also called: ANKRD11-Related KBG Syndrome. Identifiers: Orphanet 2332, MedGen C0220687, MONDO:0007846, OMIM 148050.

Submission:

3billion
Classification: Likely pathogenic for KBG syndrome. Last evaluated: 2024-09-28. Review status: criteria provided, single submitter. Criteria: ACMG Guidelines, 2015. Collection method: clinical testing. Allele origin: germline. Affected: yes.
Comment: The variant is not observed in the gnomAD v4.1.0 dataset. Predicted Consequence/Location: Frameshift: predicted to result in a loss or disruption of normal protein function through nonsense-mediated decay (NMD) or protein truncation. Multiple pathogenic variants are reported downstream of the variant. Therefore, this variant is classified as Likely pathogenic according to the recommendation of ACMG/AMP guideline.

NM_013275.6(ANKRD11):c.2212del (p.Arg738fs)

Gene: ANKRD11 (ankyrin repeat domain 11; minus strand). Cytogenetic location: 16q24.3.
Variant type: Deletion.
Coding change: c.2212del on transcript NM_013275.6 (MANE Select); coding-DNA position 2212, one base deleted (C; older notation c.2212delC).
Protein change: p.Arg738fs; shifts the reading frame from arginine 738.
Molecular consequence: frameshift variant.
Genome position (GRCh38, 1-based): chr16:89,284,330, G deleted on the plus strand (C on the coding strand, the reverse complement: ANKRD11 is on the minus strand); the first of 2 consecutive G bases (chr16:89,284,330-89,284,331); deleting either gives the same sequence. VCF-style (leftmost placement, unchanged base first): chr16-89284329-CG-C. GRCh37 (hg19) VCF-style: chr16-89350737-CG-C.
Other names: c.2212del, p.Arg738fs (NM_001256182.2, NM_001256183.2); short protein forms R738fs.
Identifiers: ClinVar variation 4293801 (VCV004293801.1).